The following is an entry in ClinVar:

NM_004260.4(RECQL4):c.1705-23_1705-7dup

Gene: RECQL4 (RecQ like helicase 4; minus strand). Cytogenetic location: 8q24.3.
Variant type: Duplication.
Coding change: c.1705-23_1705-7dup on transcript NM_004260.4 (MANE Select); 23 bases into the intron before coding-DNA position 1705 through 7 bases into the intron before coding-DNA position 1705, 17 bases duplicated (GCCTCTGATCTTGCTGC).
Molecular consequence: intron variant.
Genome position (GRCh38, 1-based): chr8:144,514,369-144,514,385, GCAGCAAGATCAGAGGC duplicated on the plus strand (GCCTCTGATCTTGCTGC on the coding strand, the reverse complement: RECQL4 is on the minus strand). VCF-style (leftmost placement, unchanged base first): chr8-144514368-G-GGCAGCAAGATCAGAGGC. GRCh37 (hg19) VCF-style: chr8-145739752-G-GGCAGCAAGATCAGAGGC.
Other names: c.1705-23_1705-7dup (NM_004260.3); c.1705-23_1705-7dup17 (NM_004260.3).
Identifiers: ClinVar variation 1415539 (VCV001415539.6), dbSNP rs749752883, ClinGen allele CA4948681.

ClinVar aggregate classification (germline): Conflicting classifications of pathogenicity. Review status: criteria provided, conflicting classifications (1 of 4 stars). 3 submissions from 3 submitters: Uncertain significance (2); Likely benign (1). Last evaluated 2024-10-30.

Conditions:
Baller-Gerold syndrome (BGS). Also called: CRANIOSYNOSTOSIS WITH RADIAL DEFECTS. Identifiers: Orphanet 1225, MedGen C0265308, MONDO:0009039, OMIM 218600.
RECQL4-related disorder. Also called: RECQL4-related disorders; RECQL4-related condition.

Allele frequency attached by ClinVar (database versions not stated): gnomAD exomes below 0.00001; ExAC 0.00001; gnomAD 0.00001.

Submissions (3):

PreventionGenetics, part of Exact Sciences
Classification: Likely benign for RECQL4-related condition. Last evaluated: 2024-10-30. Review status: criteria provided, single submitter. Criteria: ACMG Guidelines, 2015. Collection method: clinical testing. Allele origin: germline.
Comment: This variant is classified as likely benign based on ACMG/AMP sequence variant interpretation guidelines (Richards et al. 2015 PMID: 25741868, with internal and published modifications).

Genetic Services Laboratory, University of Chicago
Classification: Uncertain significance. Last evaluated: 2023-01-30. Review status: criteria provided, single submitter. Criteria: ACMG Guidelines, 2015. Collection method: clinical testing. Allele origin: germline. Affected: no.
Comment: DNA sequence analysis of the RECQL4 gene demonstrated a sequence change in intron 10, c.1705-23_1705-7dup. This change does not appear to have been previously described in individuals with ADA2-related disorders. This sequence change has been described in the gnomAD database in 1 individual which corresponds to a population frequency of 0.0004 % (dbSNP rs749752883). This sequence change is not predicted to have a deleterious effect on splicing based on in-silico splice prediction programs. It is possible that this sequence change represents a benign sequence change in the ADA2 gene that has not been identified to date. The functional significance of this sequence change is not known at present and its contribution to this individual's disease phenotype cannot definitively be determined.

Labcorp Genetics (formerly Invitae), Labcorp
Classification: Uncertain significance for Baller-Gerold syndrome. Last evaluated: 2022-08-23. Review status: criteria provided, single submitter. Criteria: Invitae Variant Classification Sherloc (09022015). Collection method: clinical testing. Allele origin: germline.
Comment: This sequence change falls in intron 10 of the RECQL4 gene. It does not directly change the encoded amino acid sequence of the RECQL4 protein. This variant is present in population databases (rs749752883, gnomAD 0.007%). This variant has not been reported in the literature in individuals affected with RECQL4-related conditions. ClinVar contains an entry for this variant (Variation ID: 1415539). Experimental studies and prediction algorithms are not available or were not evaluated, and the functional significance of this variant is currently unknown. Algorithms developed to predict the effect of sequence changes on RNA splicing suggest that this variant may disrupt the consensus splice site. In summary, the available evidence is currently insufficient to determine the role of this variant in disease. Therefore, it has been classified as a Variant of Uncertain Significance.